The following is an entry in ClinVar:

ClinVar aggregate classification (germline): Likely benign. Review status: criteria provided, multiple submitters, no conflicts (2 of 4 stars). 4 submissions from 4 submitters: Likely benign (4). Last evaluated 2026-02-02.

Conditions:
Developmental and epileptic encephalopathy, 12 (DEE12). Identifiers: MedGen C3150988, MONDO:0013389, OMIM 613722.

Allele frequency attached by ClinVar (database versions not stated): gnomAD 0.00004 and 0.00005; TOPMed 0.00004; gnomAD exomes 0.00005 and 0.00008; ExAC 0.00009.

Submissions (4):

Labcorp Genetics (formerly Invitae), Labcorp
Classification: Likely benign for Developmental and epileptic encephalopathy, 12. Last evaluated: 2026-02-02. Review status: criteria provided, single submitter. Criteria: Invitae Variant Classification Sherloc (09022015). Collection method: clinical testing. Allele origin: germline.

Women's Health and Genetics/Laboratory Corporation of America, LabCorp
Classification: Likely benign. Last evaluated: 2024-06-11. Review status: criteria provided, single submitter. Criteria: LabCorp Variant Classification Summary - May 2015. Collection method: clinical testing. Allele origin: germline.

Blueprint Genetics
Classification: Likely benign. Last evaluated: 2024-06-06. Review status: criteria provided, single submitter. Criteria: ACMG Guidelines, 2015. Collection method: clinical testing. Allele origin: germline.

GeneDx
Classification: Likely benign. Last evaluated: 2017-05-09. Review status: criteria provided, single submitter. Criteria: GeneDx Variant Classification (06012015). Collection method: clinical testing. Allele origin: germline. Affected: yes.
Comment: This variant is considered likely benign or benign based on one or more of the following criteria: it is a conservative change, it occurs at a poorly conserved position in the protein, it is predicted to be benign by multiple in silico algorithms, and/or has population frequency not consistent with disease.

NM_007254.4(PNKP):c.579-19C>T

Gene: PNKP (polynucleotide kinase 3'-phosphatase; minus strand). Cytogenetic location: 19q13.33.
Variant type: single nucleotide variant.
Coding change: c.579-19C>T on transcript NM_007254.4 (MANE Select); 19 bases into the intron before coding-DNA position 579, C replaced by T.
Molecular consequence: intron variant.
Genome position (GRCh38, 1-based): chr19:49,864,255, G>A on the plus strand (C>T on the coding strand, the complement: PNKP is on the minus strand). VCF-style: chr19-49864255-G-A. GRCh37 (hg19) VCF-style: chr19-50367512-G-A.
Identifiers: ClinVar variation 381792 (VCV000381792.11), dbSNP rs368764301, ClinGen allele CA9586889.